The following is an entry in ClinVar:

ClinVar aggregate classification (germline): Likely benign. Review status: criteria provided, single submitter (1 of 4 stars). 2 submissions from 2 submitters: Likely benign (1). 1 of the submissions does not count toward it. Last evaluated 2025-11-11.

Conditions:
Rubinstein-Taybi syndrome due to EP300 haploinsufficiency. Also called: EP300-Related Rubinstein-Taybi Syndrome; RUBINSTEIN-TAYBI SYNDROME 2. Identifiers: Orphanet 353284, Orphanet 783, MedGen C3150941, MONDO:0013364, OMIM 613684.
EP300-related disorder. Also called: EP300-related condition; EP300-related disorders.

Allele frequency attached by ClinVar (database versions not stated): gnomAD exomes 0.00001; TOPMed 0.00001; gnomAD 0.00002.
gnomAD v4.1: 24 of 1,614,042 alleles (0.0015%); highest among the groups gnomAD compares: East Asian, 0.0067%; no homozygotes.

Submissions (2):

Labcorp Genetics (formerly Invitae), Labcorp
Classification: Likely benign for Rubinstein-Taybi syndrome due to EP300 haploinsufficiency. Last evaluated: 2025-11-11. Review status: criteria provided, single submitter. Criteria: Invitae Variant Classification Sherloc (09022015). Collection method: clinical testing. Allele origin: germline.

PreventionGenetics, part of Exact Sciences
Classification: Likely benign for EP300-related condition. Last evaluated: 2023-10-31. Review status: no assertion criteria provided. Collection method: clinical testing. Allele origin: germline. Not counted in ClinVar's aggregate classification.
Comment: This variant is classified as likely benign based on ACMG/AMP sequence variant interpretation guidelines (Richards et al. 2015 PMID: 25741868, with internal and published modifications).

NM_001429.4(EP300):c.3534C>T (p.Tyr1178=)

Gene: EP300 (EP300 lysine acetyltransferase; plus strand). Cytogenetic location: 22q13.2.
Variant type: single nucleotide variant.
Coding change: c.3534C>T on transcript NM_001429.4 (MANE Select); coding-DNA position 3534, C replaced by T.
Protein change: p.Tyr1178=; no amino-acid change (tyrosine 1178 retained).
Molecular consequence: synonymous variant.
Genome position (GRCh38, 1-based): chr22:41,158,444, C>T. VCF-style: chr22-41158444-C-T. GRCh37 (hg19) VCF-style: chr22-41554448-C-T.
Other names: c.3534C>T (NM_001429.3); c.3456C>T, p.Tyr1152= (NM_001362843.2).
Identifiers: ClinVar variation 2167327 (VCV002167327.5), dbSNP rs199535477, ClinGen allele CA324544359.
Genomic context (GRCh38, chr22:41,158,444, plus strand): 5'-GCTTTTTAACAAATGGTTTCTTTTGCAGTTGGAGTTCTCTCCACAGACACTGTGTTGCTA[C>T]GGCAAACAGTTGTGCACAATACCTCGTGATGCCACTTATTACAGTTACCAGAACAGGTAA-3'
Protein context (NP_001420.2, residues 1168-1188): LEFSPQTLCC[Tyr1178=]GKQLCTIPRD